The following is an entry in ClinVar:

NC_000004.11:g.(?_15529050)_(15530369_?)del

Gene: CC2D2A (coiled-coil and C2 domain containing 2A; plus strand). Cytogenetic location: 4p15.32.
Variant type: Deletion.
Identifiers: ClinVar variation 2423658 (VCV002423658.6).

ClinVar aggregate classification (germline): Pathogenic (1 of 4 stars; one submission).

Conditions:
Joubert syndrome. Also called: CEREBELLOPARENCHYMAL DISORDER IV; JOUBERT-BOLTSHAUSER SYNDROME; Familial aplasia of the vermis. Identifiers: Orphanet 475, MedGen C5979921, MONDO:0018772.
Meckel-Gruber syndrome. Also called: DYSENCEPHALIA SPLANCHNOCYSTICA; GRUBER SYNDROME; Dysencephalia splachnocystica. Identifiers: Orphanet 564, MedGen C0265215, MONDO:0018921.

Submission:

Labcorp Genetics (formerly Invitae), Labcorp
Classification: Pathogenic for Joubert syndrome; Meckel-Gruber syndrome. Last evaluated: 2023-01-19. Review status: criteria provided, single submitter. Criteria: Invitae Variant Classification Sherloc (09022015). Collection method: clinical testing. Allele origin: germline.
Comment: For these reasons, this variant has been classified as Pathogenic. This variant has not been reported in the literature in individuals affected with CC2D2A-related conditions. This variant is a gross deletion of the genomic region encompassing exon(s) 13-14 of the CC2D2A gene. This deletion is out-of-frame, and is expected to create a premature termination codon and result in an absent or disrupted protein product. Loss-of-function variants in CC2D2A are known to be pathogenic (PMID: 19777577).

Literature cited by the submitters: PubMed 19777577.